The following is an entry in ClinVar:

ClinVar aggregate classification (germline): Uncertain significance. Review status: criteria provided, multiple submitters, no conflicts (2 of 4 stars). 7 submissions from 7 submitters: Uncertain significance (7). Last evaluated 2025-12-31.

Conditions:
Cardiovascular phenotype. Identifiers: MedGen CN230736.
Cardiac arrhythmia. Also called: Arrhythmia; Cardiac rhythm disease. Identifiers: MedGen C0003811, MONDO:0007263, HP:0011675.
Long QT syndrome 2 (LQT2). Identifiers: Orphanet 101016, Orphanet 768, MedGen C3150943, MONDO:0013367, OMIM 613688.
Short QT syndrome type 1. Identifiers: Orphanet 51083, MedGen C1865020, MONDO:0012312, OMIM 609620.
Long QT syndrome (LQTS). Identifiers: MedGen C0023976, MeSH D008133, MONDO:0002442. Disease mechanism: loss of function. Inheritance: Various modes of inheritance.

Allele frequency attached by ClinVar (database versions not stated): TOPMed 0.00006; 1000 Genomes Project 30x 0.00016.
gnomAD v4.1: 186 of 1,529,202 alleles (0.012%); highest among the groups gnomAD compares: Non-Finnish European, 0.015%; no homozygotes.

Submissions (7):

Labcorp Genetics (formerly Invitae), Labcorp
Classification: Uncertain significance for Long QT syndrome. Last evaluated: 2025-12-31. Review status: criteria provided, single submitter. Criteria: Invitae Variant Classification Sherloc (09022015). Collection method: clinical testing. Allele origin: germline.
Comment: This sequence change replaces arginine, which is basic and polar, with glycine, which is neutral and non-polar, at codon 920 of the KCNH2 protein (p.Arg920Gly). The frequency data for this variant in the population databases is considered unreliable, as metrics indicate poor data quality at this position in the gnomAD database. This variant has not been reported in the literature in individuals affected with KCNH2-related conditions. ClinVar contains an entry for this variant (Variation ID: 200490). An algorithm developed to predict the effect of missense changes on protein structure and function (PolyPhen-2) suggests that this variant is likely to be tolerated. In summary, the available evidence is currently insufficient to determine the role of this variant in disease. Therefore, it has been classified as a Variant of Uncertain Significance.

Color Diagnostics, LLC DBA Color Health
Classification: Uncertain significance for Cardiac arrhythmia. Last evaluated: 2025-11-21. Review status: criteria provided, single submitter. Criteria: ACMG Guidelines, 2015. Collection method: clinical testing. Allele origin: germline.
Comment: This missense variant replaces arginine with glycine at codon 920 of the KCNH2 protein. Computational prediction is inconclusive regarding the impact of this variant on protein structure and function. To our knowledge, functional studies have not been reported for this variant. This variant has been reported in an individual affected with arrhythmia(PMID: 30847666). This variant has been identified in 186/1529202 chromosomes in the general population by the Genome Aggregation Database (gnomAD). The available evidence is insufficient to determine the role of this variant in disease conclusively. Therefore, this variant is classified as a Variant of Uncertain Significance.

Blueprint Genetics
Classification: Uncertain significance. Last evaluated: 2024-11-27. Review status: criteria provided, single submitter. Criteria: ACMG Guidelines, 2015. Collection method: clinical testing. Allele origin: germline.

All of Us Research Program, National Institutes of Health
Classification: Uncertain significance for Long QT syndrome. Last evaluated: 2024-09-23. Review status: criteria provided, single submitter. Criteria: ACMG Guidelines, 2015. Collection method: clinical testing. Allele origin: germline. Inheritance: Autosomal dominant inheritance. Observed: 33 variant alleles, 33 heterozygotes.
Comment: This missense variant replaces arginine with glycine at codon 920 of the KCNH2 protein. Computational prediction is inconclusive regarding the impact of this variant on protein structure and function (internally defined REVEL score threshold 0.5 < inconclusive < 0.7, PMID: 27666373). To our knowledge, functional studies have not been reported for this variant. This variant has not been reported in individuals affected with cardiovascular disorders in the literature. This variant has been identified in 2/125518 chromosomes in the general population by the Genome Aggregation Database (gnomAD). The available evidence is insufficient to determine the role of this variant in disease conclusively. Therefore, this variant is classified as a Variant of Uncertain Significance.

This study involves interpretation of variants in research participants for the purpose of population health screening. Participant phenotype was not available at the time of variant classification. Additional details can be found in publication PMID: 35346344, PMCID: PMC8962531

Ambry Genetics
Classification: Uncertain significance for Cardiovascular phenotype. Last evaluated: 2024-01-02. Review status: criteria provided, single submitter. Criteria: Ambry Variant Classification Scheme 2023. Collection method: clinical testing. Allele origin: germline.
Comment: The p.R920G variant (also known as c.2758C>G), located in coding exon 12 of the KCNH2 gene, results from a C to G substitution at nucleotide position 2758. The arginine at codon 920 is replaced by glycine, an amino acid with dissimilar properties. This variant was detected in an arrhythmia genetic testing cohort; however, clinical details were limited, and additional cardiac variants were detected in some cases (van Lint FHM et al. Neth Heart J, 2019 Jun;27:304-309). This amino acid position is not well conserved in available vertebrate species. In addition, the in silico prediction for this alteration is inconclusive. Since supporting evidence is limited at this time, the clinical significance of this alteration remains unclear.

Fulgent Genetics
Classification: Uncertain significance for Short QT syndrome type 1; Long QT syndrome 2. Last evaluated: 2021-09-14. Review status: criteria provided, single submitter. Criteria: ACMG Guidelines, 2015. Collection method: clinical testing. Allele origin: unknown.

GeneDx
Classification: Uncertain significance. Last evaluated: 2018-02-08. Review status: criteria provided, single submitter. Criteria: GeneDx Variant Classification (06012015). Collection method: clinical testing. Allele origin: germline. Affected: yes.
Comment: A variant of uncertain significance has been identified in the KCNH2 gene. The R920G variant has not been published as pathogenic or been reported as benign to our knowledge. It has been observed in other individuals referred for arrhythmia genetic testing at GeneDx, although no informative segregation data are available to further clarify the role of this variant in disease. This variant is also not observed in large population cohorts (Lek et al., 2016). The R920G variant is a non-conservative amino acid substitution, which is likely to impact secondary protein structure as these residues differ in polarity, charge, size and/or other properties. However, in-silico analyses, including protein predictors and evolutionary conservation, support that this variant does not alter protein structure/function. Furthermore, although other missense variants at the same residue (R920Q, R920W) have also been reported in association with LQTS (Kapplinger et al., 2009), the clinical significance of these variants also remains to be definitively determined.

Literature cited by the submitters: PubMed 30847666 (cited by Color Diagnostics, LLC DBA Color Health and Ambry Genetics).

NM_000238.4(KCNH2):c.2758C>G (p.Arg920Gly)

Gene: KCNH2 (potassium voltage-gated channel subfamily H member 2; minus strand). Cytogenetic location: 7q36.1.
Variant type: single nucleotide variant.
Coding change: c.2758C>G on transcript NM_000238.4 (MANE Select); coding-DNA position 2758, C replaced by G.
Protein change: p.Arg920Gly; replaces arginine 920 with glycine.
Molecular consequence: missense variant.
Genome position (GRCh38, 1-based): chr7:150,947,813, G>C on the plus strand (C>G on the coding strand, the complement: KCNH2 is on the minus strand). VCF-style: chr7-150947813-G-C. GRCh37 (hg19) VCF-style: chr7-150644901-G-C.
Other names: p.R920G:CGG>GGG; c.2470C>G, p.Arg824Gly (NM_001406753.1); c.1738C>G, p.Arg580Gly (NM_172057.3); short protein forms R580G, R920G, R824G.
Identifiers: ClinVar variation 200490 (VCV000200490.23), dbSNP rs199473438, ClinGen allele CA007296.